The following is an entry in ClinVar:

ClinVar aggregate classification (germline): Uncertain significance (1 of 4 stars; one submission).

Conditions:
Rhabdoid tumor predisposition syndrome 2 (RTPS2). Identifiers: Orphanet 231108, Orphanet 69077, MedGen C2750074, MONDO:0013224, OMIM 613325.

Submission:

Labcorp Genetics (formerly Invitae), Labcorp
Classification: Uncertain significance for Rhabdoid tumor predisposition syndrome 2. Last evaluated: 2021-01-30. Review status: criteria provided, single submitter. Criteria: Invitae Variant Classification Sherloc (09022015). Collection method: clinical testing. Allele origin: germline.
Comment: This variant is not present in population databases (ExAC no frequency). In summary, the available evidence is currently insufficient to determine the role of this variant in disease. Therefore, it has been classified as a Variant of Uncertain Significance. Algorithms developed to predict the effect of missense changes on protein structure and function (SIFT, PolyPhen-2, Align-GVGD) all suggest that this variant is likely to be tolerated, but these predictions have not been confirmed by published functional studies and their clinical significance is uncertain. This variant has not been reported in the literature in individuals with SMARCA4-related disease. This sequence change replaces alanine with serine at codon 589 of the SMARCA4 protein (p.Ala589Ser). The alanine residue is moderately conserved and there is a moderate physicochemical difference between alanine and serine.

NM_003072.5(SMARCA4):c.1765G>T (p.Ala589Ser)

Gene: SMARCA4 (SWI/SNF related BAF chromatin remodeling complex subunit ATPase 4; plus strand). Cytogenetic location: 19p13.2.
Variant type: single nucleotide variant.
Coding change: c.1765G>T on transcript NM_003072.5 (MANE Select); coding-DNA position 1765, G replaced by T.
Protein change: p.Ala589Ser; replaces alanine 589 with serine.
Molecular consequence: missense variant. On other transcripts: non-coding transcript variant (1).
Genome position (GRCh38, 1-based): chr19:10,996,497, G>T. VCF-style: chr19-10996497-G-T. GRCh37 (hg19) VCF-style: chr19-11107173-G-T.
Other names: c.1765G>T, p.Ala589Ser (NM_001128844.3, NM_001128845.2, NM_001128846.2 and 5 more transcripts); short protein forms A589S.
Identifiers: ClinVar variation 568681 (VCV000568681.8), dbSNP rs765850087, ClinGen allele CA404064722.